The following is an entry in ClinVar:

NM_000321.3(RB1):c.2246A>G (p.Tyr749Cys)

Gene: RB1 (RB transcriptional corepressor 1; plus strand). Cytogenetic location: 13q14.2.
Variant type: single nucleotide variant.
Coding change: c.2246A>G on transcript NM_000321.3 (MANE Select); coding-DNA position 2246, A replaced by G.
Protein change: p.Tyr749Cys; replaces tyrosine 749 with cysteine.
Molecular consequence: missense variant.
Genome position (GRCh38, 1-based): chr13:48,465,032, A>G. VCF-style: chr13-48465032-A-G. GRCh37 (hg19) VCF-style: chr13-49039168-A-G.
Other names: c.2246A>G, p.Tyr749Cys (NM_001407165.1); short protein forms Y749C.
Identifiers: ClinVar variation 1788344 (VCV001788344.5), dbSNP rs1949430638, ClinGen allele CA388167556.

ClinVar aggregate classification (germline): Uncertain significance. Review status: criteria provided, multiple submitters, no conflicts (2 of 4 stars). 2 submissions from 2 submitters: Uncertain significance (2). Last evaluated 2025-12-05.

Conditions:
Hereditary cancer-predisposing syndrome. Also called: Neoplastic Syndromes, Hereditary; Tumor predisposition; Hereditary Cancer Syndrome; Hereditary neoplastic syndrome. Identifiers: Orphanet 140162, MedGen C0027672, MeSH D009386, MONDO:0015356.
Retinoblastoma (RB1). Also called: RETINOBLASTOMA, SOMATIC. Identifiers: Orphanet 790, MedGen C0035335, MeSH D012175, MONDO:0008380, OMIM 180200, HP:0009919. Disease mechanism: loss of function. Inheritance: Both sporadic and heritable forms are tested..

Allele frequency attached by ClinVar (database versions not stated): gnomAD exomes 0.00001.
gnomAD v4.1: 8 of 1,511,830 alleles (0.00053%); highest among the groups gnomAD compares: Non-Finnish European, 0.00071%; no homozygotes.

Submissions (2):

Labcorp Genetics (formerly Invitae), Labcorp
Classification: Uncertain significance for Retinoblastoma. Last evaluated: 2025-12-05. Review status: criteria provided, single submitter. Criteria: Invitae Variant Classification Sherloc (09022015). Collection method: clinical testing. Allele origin: germline.
Comment: This sequence change replaces tyrosine, which is neutral and polar, with cysteine, which is neutral and slightly polar, at codon 749 of the RB1 protein (p.Tyr749Cys). This variant is not present in population databases (gnomAD no frequency). This variant has not been reported in the literature in individuals affected with RB1-related conditions. ClinVar contains an entry for this variant (Variation ID: 1788344). Invitae Evidence Modeling of protein sequence and biophysical properties (such as structural, functional, and spatial information, amino acid conservation, physicochemical variation, residue mobility, and thermodynamic stability) indicates that this missense variant is expected to disrupt RB1 protein function with a positive predictive value of 80%. In summary, the available evidence is currently insufficient to determine the role of this variant in disease. Therefore, it has been classified as a Variant of Uncertain Significance.

Ambry Genetics
Classification: Uncertain significance for Hereditary cancer-predisposing syndrome. Last evaluated: 2024-02-26. Review status: criteria provided, single submitter. Criteria: Ambry Variant Classification Scheme 2023. Collection method: clinical testing. Allele origin: germline.
Comment: The p.Y749C variant (also known as c.2246A>G), located in coding exon 22 of the RB1 gene, results from an A to G substitution at nucleotide position 2246. The tyrosine at codon 749 is replaced by cysteine, an amino acid with highly dissimilar properties. This amino acid position is well conserved in available vertebrate species. In addition, the in silico prediction for this alteration is inconclusive. Based on the available evidence, the clinical significance of this alteration remains unclear.